The following is an entry in ClinVar:

NM_001270508.2(TNFAIP3):c.1096G>T (p.Glu366Ter)

Gene: TNFAIP3 (TNF alpha induced protein 3; plus strand). Cytogenetic location: 6q23.3.
Variant type: single nucleotide variant.
Coding change: c.1096G>T on transcript NM_001270508.2 (MANE Select); coding-DNA position 1096, G replaced by T.
Protein change: p.Glu366Ter; replaces glutamic acid 366 with a stop codon.
Molecular consequence: nonsense.
Genome position (GRCh38, 1-based): chr6:137,878,541, G>T. VCF-style: chr6-137878541-G-T. GRCh37 (hg19) VCF-style: chr6-138199678-G-T.
Other names: c.1096G>T, p.Glu366Ter (NM_001270507.2, NM_006290.4); short protein forms E366*.
Identifiers: ClinVar variation 2500101 (VCV002500101.3), dbSNP rs2482750192, ClinGen allele CA365788561.
Genomic context (GRCh38, chr6:137,878,541, plus strand): 5'-TTTGAACTTGTTCAGCATGAGTACAAGAAATGGCAGGAAAACAGCGAGCAGGGGAGGAGA[G>T]AGGGGCACGCCCAGAATCCCATGGAACCTTCCGTGCCCCAGCTTTCTCTCATGGATGTAA-3'

ClinVar aggregate classification (germline): Pathogenic/Likely pathogenic. Review status: criteria provided, multiple submitters, no conflicts (2 of 4 stars). 2 submissions from 2 submitters: Pathogenic (1); Likely pathogenic (1). Last evaluated 2024-09-29.

Conditions:
Autoinflammatory syndrome, familial, Behcet-like 1 (AIFBL1). Also called: Haploinsufficiency of A20. Identifiers: Orphanet 674762, MedGen C4225218, MONDO:0800045, OMIM 616744.

Submissions (2):

Labcorp Genetics (formerly Invitae), Labcorp
Classification: Pathogenic. Last evaluated: 2024-09-29. Review status: criteria provided, single submitter. Criteria: Invitae Variant Classification Sherloc (09022015). Collection method: clinical testing. Allele origin: germline.
Comment: This sequence change creates a premature translational stop signal (p.Glu366*) in the TNFAIP3 gene. It is expected to result in an absent or disrupted protein product. Loss-of-function variants in TNFAIP3 are known to be pathogenic (PMID: 26642243). This variant is not present in population databases (gnomAD no frequency). This variant has not been reported in the literature in individuals affected with TNFAIP3-related conditions. ClinVar contains an entry for this variant (Variation ID: 2500101). For these reasons, this variant has been classified as Pathogenic.

Center for Genomics, Ann and Robert H. Lurie Children's Hospital of Chicago
Classification: Likely pathogenic for Autoinflammatory syndrome, familial, Behcet-like 1. Last evaluated: 2022-06-03. Review status: criteria provided, single submitter. Criteria: ACMG Guidelines, 2015. Collection method: clinical testing. Allele origin: germline.
Comment: This variant has not been reported in the literature and is not present in large control databases. Evolutionary conservation and computational predictive tools for this variant are limited or unavailable.This variant creates a premature stop at this codon which results in an absent or abnormal protein. Loss of function variants are a known mechanism of disease for this gene (Zhou 2015 PMID:26642243). In summary, data on this variant is highly suspicious for disease, but requires further evidence for pathogenicity. Therefore, this variant is classified as likely pathogenic.

Literature cited by the submitters: PubMed 26642243 (cited by Labcorp Genetics (formerly Invitae), Labcorp).